The following is an entry in ClinVar:

ClinVar aggregate classification (germline): Uncertain significance (1 of 4 stars; one submission).

Conditions:
3-methylglutaconic aciduria with deafness, encephalopathy, and Leigh-like syndrome (MEGDEL). Also called: SERAC1 Deficiency; MEGDEL syndrome; 3-METHYLGLUTACONIC ACIDURIA, TYPE VI. Identifiers: Orphanet 352328, MedGen C4040739, MONDO:0013875, OMIM 614739.

Submission:

Excellence Center for Genomics and Precision Medicine, King Chulalongkorn Memorial Hospital
Classification: Uncertain significance for 3-methylglutaconic aciduria with deafness, encephalopathy, and Leigh-like syndrome. Last evaluated: 2025-10-01. Review status: criteria provided, single submitter. Criteria: ACMG Guidelines, 2015. Collection method: clinical testing. Allele origin: germline. Affected: yes.
Comment: PM2_supporting

NM_032861.4(SERAC1):c.-2+10G>C

Gene: SERAC1 (serine active site containing 1; minus strand). Cytogenetic location: 6q25.3.
Variant type: single nucleotide variant.
Coding change: c.-2+10G>C on transcript NM_032861.4 (MANE Select); 10 bases into the intron after 2 bases upstream of the start codon, G replaced by C.
Molecular consequence: intron variant.
Genome position (GRCh38, 1-based): chr6:158,168,130, C>G on the plus strand (G>C on the coding strand, the complement: SERAC1 is on the minus strand). VCF-style: chr6-158168130-C-G. GRCh37 (hg19) VCF-style: chr6-158589162-C-G.
Identifiers: ClinVar variation 4538543 (VCV004538543.1).
Genomic context (GRCh38, chr6:158,168,130, plus strand): 5'-GCTCCCCACCGCGCCCAGCTGCGCCGACGCCCCCGTCCGCCCCCACACCACCCCTGCCTT[C>G]ACGTCCTACCTGCCGGCAGGCGGACTCAGCCCGTGCCCAACTGCTCGTCGGACCCCGTTG-3'